The following is an entry in ClinVar:

NM_001846.4(COL4A2):c.4882-7T>C

Gene: COL4A2 (collagen type IV alpha 2 chain; plus strand). Cytogenetic location: 13q34.
Variant type: single nucleotide variant.
Coding change: c.4882-7T>C on transcript NM_001846.4 (MANE Select); 7 bases into the intron before coding-DNA position 4882, T replaced by C.
Molecular consequence: intron variant.
Genome position (GRCh38, 1-based): chr13:110,511,927, T>C. VCF-style: chr13-110511927-T-C. GRCh37 (hg19) VCF-style: chr13-111164274-T-C.
Other names: p.?.
Identifiers: ClinVar variation 311190 (VCV000311190.23), dbSNP rs116548600, ClinGen allele CA7050698.

ClinVar aggregate classification (germline): Benign/Likely benign. Review status: criteria provided, multiple submitters, no conflicts (2 of 4 stars). 6 submissions from 6 submitters: Benign (4); Likely benign (1). 1 of the submissions does not count toward it. Last evaluated 2025-12-19.

Conditions:
COL4A2-related disorder. Also called: COL4A2-related disorders; COL4A2-related condition.
Brain small vessel disease 2A, autosomal dominant. Also called: Porencephaly 2. Identifiers: Orphanet 2940, Orphanet 99810, MedGen C3280970, MONDO:0013773, OMIM 614483.

Allele frequency attached by ClinVar (database versions not stated): ExAC 0.00136; gnomAD 0.00420 and 0.00448; ESP Exome Variant Server 0.00433; TOPMed 0.00439; 1000 Genomes Project 0.00559; 1000 Genomes Project 30x 0.00625.
gnomAD v4.1: 1,310 of 1,613,460 alleles (0.081%); highest among the groups gnomAD compares: African/African-American, 1.5%; 12 homozygotes.

Submissions (6):

Labcorp Genetics (formerly Invitae), Labcorp
Classification: Benign. Last evaluated: 2025-12-19. Review status: criteria provided, single submitter. Criteria: Invitae Variant Classification Sherloc (09022015). Collection method: clinical testing. Allele origin: germline.

CeGaT Center for Human Genetics Tuebingen
Classification: Likely benign. Last evaluated: 2025-10-01. Review status: criteria provided, single submitter. Criteria: CeGaT Center For Human Genetics Tuebingen Variant Classification Criteria Version 2. Collection method: clinical testing. Allele origin: germline. Affected: yes. Observed: 1 variant allele.
Comment: COL4A2: BP4, BS1

Mayo Clinic Laboratories, Mayo Clinic
Classification: Benign. Last evaluated: 2025-04-02. Review status: criteria provided, single submitter. Criteria: ACMG Guidelines, 2015. Collection method: clinical testing. Allele origin: germline. Observed: 3 variant alleles.
Comment: BS1, BS2, BP4, BP7

Illumina Laboratory Services, Illumina
Classification: Benign for Brain small vessel disease 2A, autosomal dominant. Last evaluated: 2018-01-12. Review status: criteria provided, single submitter. Criteria: ICSL Variant Classification Criteria 13 December 2019. Collection method: clinical testing. Allele origin: germline.
Comment: This variant was observed in the ICSL laboratory as part of a predisposition screen in an ostensibly healthy population. It had not been previously curated by ICSL or reported in the Human Gene Mutation Database (HGMD: prior to June 1st, 2018), and was therefore a candidate for classification through an automated scoring system. Utilizing variant allele frequency, disease prevalence and penetrance estimates, and inheritance mode, an automated score was calculated to assess if this variant is too frequent to cause the disease. Based on the score and internal cut-off values, a variant classified as benign is not then subjected to further curation. The score for this variant resulted in a classification of benign for this disease.

Breakthrough Genomics
Classification: Benign. Review status: criteria provided, single submitter. Criteria: ACMG Guidelines, 2015. Collection method: not provided. Allele origin: germline. Inheritance: Autosomal dominant inheritance. Affected: yes.

PreventionGenetics, part of Exact Sciences
Classification: Benign for COL4A2-related condition. Last evaluated: 2019-07-18. Review status: no assertion criteria provided. Collection method: clinical testing. Allele origin: germline. Not counted in ClinVar's aggregate classification.
Comment: This variant is classified as benign based on ACMG/AMP sequence variant interpretation guidelines (Richards et al. 2015 PMID: 25741868, with internal and published modifications).